The following is an entry in ClinVar:

ClinVar aggregate classification (germline): Uncertain significance (1 of 4 stars; one submission).

Submission:

CeGaT Center for Human Genetics Tuebingen
Classification: Uncertain significance. Last evaluated: 2024-11-01. Review status: criteria provided, single submitter. Criteria: CeGaT Center For Human Genetics Tuebingen Variant Classification Criteria Version 2. Collection method: clinical testing. Allele origin: germline. Affected: yes. Observed: 1 variant allele.
Comment: BCORL1: PM2, BP4

NM_001379451.1(BCORL1):c.3019C>G (p.Pro1007Ala)

Gene: BCORL1 (BCL6 corepressor like 1; plus strand). Cytogenetic location: Xq26.1.
Variant type: single nucleotide variant.
Coding change: c.3019C>G on transcript NM_001379451.1 (MANE Select); coding-DNA position 3019, C replaced by G.
Protein change: p.Pro1007Ala; replaces proline 1007 with alanine.
Molecular consequence: missense variant.
Genome position (GRCh38, 1-based): chrX:130,015,791, C>G. VCF-style: chrX-130015791-C-G. GRCh37 (hg19) VCF-style: chrX-129149767-C-G.
Other names: c.3019C>G, p.Pro1007Ala (NM_001184772.3, NM_001379450.1, NM_021946.5); short protein forms P1007A.
Identifiers: ClinVar variation 3389202 (VCV003389202.14).
Genomic context (GRCh38, chrX:130,015,791, plus strand): 5'-CTGGCCACCTACATGTCCCATGAGCTGGTCCTGGCCACCCCCCAGAACCTGCCTAAGATG[C>G]CTGAGCTGCCTTTGCTACCTCACGACAGCCACCCCAAGGAACTTATATTGGACGTGGTTC-3'
Protein context (NP_001366380.1, residues 997-1017): LATPQNLPKM[Pro1007Ala]ELPLLPHDSH